The following is an entry in ClinVar:

NM_000368.5(TSC1):c.281G>T (p.Gly94Val)

Gene: TSC1 (TSC complex subunit 1; minus strand). Cytogenetic location: 9q34.13.
Variant type: single nucleotide variant.
Coding change: c.281G>T on transcript NM_000368.5 (MANE Select); coding-DNA position 281, G replaced by T.
Protein change: p.Gly94Val; replaces glycine 94 with valine.
Molecular consequence: missense variant. On other transcripts: 5 prime UTR variant (1), intron variant (1).
Genome position (GRCh38, 1-based): chr9:132,925,669, C>A on the plus strand (G>T on the coding strand, the complement: TSC1 is on the minus strand). VCF-style: chr9-132925669-C-A. GRCh37 (hg19) VCF-style: chr9-135801056-C-A.
Other names: c.281G>T, p.Gly94Val (NM_001162426.2, NM_001406592.1, NM_001406593.1 and 16 more transcripts); c.-83G>T (NM_001362177.2, NM_001406617.1, NM_001406618.1 and 5 more transcripts); c.-175G>T (NM_001406614.1, NM_001406616.1, NM_001406624.1); c.-208G>T (NM_001406615.1, NM_001406623.1); c.-597G>T (NM_001406626.1, NM_001406627.1, NM_001406628.1); c.-739G>T (NM_001406629.1); c.-813G>T (NM_001406630.1); c.210+1532G>T (NM_001162427.2); short protein forms G94V.
Identifiers: ClinVar variation 2011893 (VCV002011893.5), dbSNP rs2132234443, ClinGen allele CA375374598.

ClinVar aggregate classification (germline): Uncertain significance. Review status: criteria provided, multiple submitters, no conflicts (2 of 4 stars). 2 submissions from 2 submitters: Uncertain significance (2). Last evaluated 2026-07-06.

Conditions:
Tuberous sclerosis 1 (TSC1). Identifiers: Orphanet 805, MedGen C1854465, MONDO:0008612, OMIM 191100.
Hereditary cancer-predisposing syndrome. Also called: Hereditary neoplastic syndrome; Neoplastic Syndromes, Hereditary; Tumor predisposition; Hereditary Cancer Syndrome. Identifiers: Orphanet 140162, MedGen C0027672, MeSH D009386, MONDO:0015356.

Submissions (2):

Ambry Genetics
Classification: Uncertain significance for Hereditary cancer-predisposing syndrome. Last evaluated: 2026-07-06. Review status: criteria provided, single submitter. Criteria: Ambry Variant Classification Scheme 2023. Collection method: clinical testing. Allele origin: germline.
Comment: The p.G94V variant (also known as c.281G>T), located in coding exon 3 of the TSC1 gene, results from a G to T substitution at nucleotide position 281. The glycine at codon 94 is replaced by valine, an amino acid with dissimilar properties. This amino acid position is conserved. In addition, this alteration is predicted to be deleterious by in silico analysis. Based on the available evidence, the clinical significance of this variant remains unclear.

Labcorp Genetics (formerly Invitae), Labcorp
Classification: Uncertain significance for Tuberous sclerosis 1. Last evaluated: 2024-10-08. Review status: criteria provided, single submitter. Criteria: Invitae Variant Classification Sherloc (09022015). Collection method: clinical testing. Allele origin: germline.
Comment: This sequence change replaces glycine, which is neutral and non-polar, with valine, which is neutral and non-polar, at codon 94 of the TSC1 protein (p.Gly94Val). This variant is not present in population databases (gnomAD no frequency). This variant has not been reported in the literature in individuals affected with TSC1-related conditions. ClinVar contains an entry for this variant (Variation ID: 2011893). Invitae Evidence Modeling of protein sequence and biophysical properties (such as structural, functional, and spatial information, amino acid conservation, physicochemical variation, residue mobility, and thermodynamic stability) indicates that this missense variant is not expected to disrupt TSC1 protein function with a negative predictive value of 95%. In summary, the available evidence is currently insufficient to determine the role of this variant in disease. Therefore, it has been classified as a Variant of Uncertain Significance.